The following is an entry in ClinVar:

ClinVar aggregate classification (germline): Conflicting classifications of pathogenicity. Review status: criteria provided, conflicting classifications (1 of 4 stars). 3 submissions from 3 submitters: Uncertain significance (1); Likely benign (2). Last evaluated 2026-05-04.

Allele frequency attached by ClinVar (database versions not stated): ExAC 0.00005; gnomAD 0.00013; TOPMed 0.00015.
gnomAD v4.1: 48 of 1,612,252 alleles (0.003%); highest among the groups gnomAD compares: Middle Eastern, 0.066%; 1 homozygote.

Submissions (3):

Women's Health and Genetics/Laboratory Corporation of America, LabCorp
Classification: Likely benign. Last evaluated: 2026-05-04. Review status: criteria provided, single submitter. Criteria: LabCorp Variant Classification Summary - May 2015. Collection method: clinical testing. Allele origin: germline.

Labcorp Genetics (formerly Invitae), Labcorp
Classification: Likely benign. Last evaluated: 2025-12-17. Review status: criteria provided, single submitter. Criteria: Invitae Variant Classification Sherloc (09022015). Collection method: clinical testing. Allele origin: germline.

GeneDx
Classification: Uncertain significance. Last evaluated: 2023-11-14. Review status: criteria provided, single submitter. Criteria: GeneDx Variant Classification Process June 2021. Collection method: clinical testing. Allele origin: germline.
Comment: In silico analysis supports that this variant does not alter splicing; Has not been previously published as pathogenic or benign to our knowledge

NM_005247.4(FGF3):c.484C>A (p.Arg162=)

Gene: FGF3 (fibroblast growth factor 3; minus strand). Cytogenetic location: 11q13.3.
Variant type: single nucleotide variant.
Coding change: c.484C>A on transcript NM_005247.4 (MANE Select); coding-DNA position 484, C replaced by A.
Protein change: p.Arg162=; no amino-acid change (arginine 162 retained).
Molecular consequence: synonymous variant.
Genome position (GRCh38, 1-based): chr11:69,810,541, G>T on the plus strand (C>A on the coding strand, the complement: FGF3 is on the minus strand). VCF-style: chr11-69810541-G-T. GRCh37 (hg19) VCF-style: chr11-69625309-G-T.
Identifiers: ClinVar variation 2501900 (VCV002501900.6), dbSNP rs782403025, ClinGen allele CA6157055.